The following is an entry in ClinVar:

NM_012418.4(FSCN2):c.305T>C (p.Leu102Pro)

Gene: FSCN2 (fascin actin-bundling protein 2, retinal; plus strand). Cytogenetic location: 17q25.3.
Variant type: single nucleotide variant.
Coding change: c.305T>C on transcript NM_012418.4 (MANE Select); coding-DNA position 305, T replaced by C.
Protein change: p.Leu102Pro; replaces leucine 102 with proline.
Molecular consequence: missense variant.
Genome position (GRCh38, 1-based): chr17:81,528,836, T>C. VCF-style: chr17-81528836-T-C. GRCh37 (hg19) VCF-style: chr17-79495862-T-C.
Other names: c.305T>C, p.Leu102Pro (NM_001077182.3); short protein forms L102P.
Identifiers: ClinVar variation 1995644 (VCV001995644.4), dbSNP rs1244889193, ClinGen allele CA401470480.

ClinVar aggregate classification (germline): Uncertain significance (1 of 4 stars; one submission).

Allele frequency attached by ClinVar (database versions not stated): gnomAD exomes below 0.00001; TOPMed below 0.00001.
gnomAD v4.1: 1 of 1,555,562 alleles (0.000064%); highest among the groups gnomAD compares: East Asian, 0.0024%; no homozygotes.

Submission:

Labcorp Genetics (formerly Invitae), Labcorp
Classification: Uncertain significance. Last evaluated: 2024-02-24. Review status: criteria provided, single submitter. Criteria: Invitae Variant Classification Sherloc (09022015). Collection method: clinical testing. Allele origin: germline.
Comment: This sequence change replaces leucine, which is neutral and non-polar, with proline, which is neutral and non-polar, at codon 102 of the FSCN2 protein (p.Leu102Pro). This variant is not present in population databases (gnomAD no frequency). This variant has not been reported in the literature in individuals affected with FSCN2-related conditions. ClinVar contains an entry for this variant (Variation ID: 1995644). An algorithm developed to predict the effect of missense changes on protein structure and function (PolyPhen-2) suggests that this variant is likely to be disruptive. In summary, the available evidence is currently insufficient to determine the role of this variant in disease. Therefore, it has been classified as a Variant of Uncertain Significance.